The following is an entry in ClinVar:

ClinVar aggregate classification (germline): Uncertain significance (1 of 4 stars; one submission).

Submission:

Labcorp Genetics (formerly Invitae), Labcorp
Classification: Uncertain significance. Last evaluated: 2025-07-31. Review status: criteria provided, single submitter. Criteria: Invitae Variant Classification Sherloc (09022015). Collection method: clinical testing. Allele origin: germline.
Comment: This sequence change replaces valine, which is neutral and non-polar, with methionine, which is neutral and non-polar, at codon 582 of the LZTR1 protein (p.Val582Met). This variant is not present in population databases (gnomAD no frequency). This variant has not been reported in the literature in individuals affected with LZTR1-related conditions. Invitae Evidence Modeling of protein sequence and biophysical properties (such as structural, functional, and spatial information, amino acid conservation, physicochemical variation, residue mobility, and thermodynamic stability) indicates that this missense variant is not expected to disrupt LZTR1 protein function with a negative predictive value of 80%. In summary, the available evidence is currently insufficient to determine the role of this variant in disease. Therefore, it has been classified as a Variant of Uncertain Significance.

NM_006767.4(LZTR1):c.1744G>A (p.Val582Met)

Gene: LZTR1 (leucine zipper like post translational regulator 1; plus strand). Cytogenetic location: 22q11.21.
Variant type: single nucleotide variant.
Coding change: c.1744G>A on transcript NM_006767.4 (MANE Select); coding-DNA position 1744, G replaced by A.
Protein change: p.Val582Met; replaces valine 582 with methionine.
Molecular consequence: missense variant.
Genome position (GRCh38, 1-based): chr22:20,994,686, G>A. VCF-style: chr22-20994686-G-A. GRCh37 (hg19) VCF-style: chr22-21348975-G-A.
Other names: short protein forms V582M.
Identifiers: ClinVar variation 4807741 (VCV004807741.1).